The following is an entry in ClinVar:

NM_032608.7(MYO18B):c.6671C>A (p.Ala2224Asp)

Gene: MYO18B (myosin XVIIIB; plus strand). Cytogenetic location: 22q12.1.
Variant type: single nucleotide variant.
Coding change: c.6671C>A on transcript NM_032608.7 (MANE Select); coding-DNA position 6671, C replaced by A.
Protein change: p.Ala2224Asp; replaces alanine 2224 with aspartic acid.
Molecular consequence: missense variant.
Genome position (GRCh38, 1-based): chr22:26,026,645, C>A. VCF-style: chr22-26026645-C-A. GRCh37 (hg19) VCF-style: chr22-26422611-C-A.
Other names: c.6674C>A, p.Ala2225Asp (NM_001318245.2); short protein forms A2225D, A2224D.
Identifiers: ClinVar variation 974706 (VCV000974706.3), dbSNP rs758877751, ClinGen allele CA10161587.
Genomic context (GRCh38, chr22:26,026,645, plus strand): 5'-ATTTTGGGGACGGCGAAGTGCTTGCCGTCCAGAGAAAGTCCACAGAGAGATTAGAACCTG[C>A]TTCCTCTCCCCTGGCTTCTCGGAGTACAAATACATCCCCGCTGTCGAGGGAAAAGCTGCC-3'
Protein context (NP_115997.5, residues 2214-2234): QRKSTERLEP[Ala2224Asp]SSPLASRSTN

ClinVar aggregate classification (germline): Uncertain significance. Review status: criteria provided, single submitter (1 of 4 stars). 2 submissions from 2 submitters: Uncertain significance (1). 1 of the submissions does not count toward it. Last evaluated 2022-02-23.

Conditions:
Fraser syndrome 3. Identifiers: MedGen C4540040, MONDO:0054739, OMIM 617667.

Allele frequency attached by ClinVar (database versions not stated): gnomAD below 0.00001 and 0.00003; TOPMed 0.00001; ExAC 0.00017.
gnomAD v4.1: 155 of 1,613,844 alleles (0.0096%); highest among the groups gnomAD compares: South Asian, 0.15%; 2 homozygotes.

Submissions (2):

Labcorp Genetics (formerly Invitae), Labcorp
Classification: Uncertain significance. Last evaluated: 2022-02-23. Review status: criteria provided, single submitter. Criteria: Invitae Variant Classification Sherloc (09022015). Collection method: clinical testing. Allele origin: germline.
Comment: This sequence change replaces alanine, which is neutral and non-polar, with aspartic acid, which is acidic and polar, at codon 2224 of the MYO18B protein (p.Ala2224Asp). This variant is present in population databases (rs758877751, gnomAD 0.1%). This variant has not been reported in the literature in individuals affected with MYO18B-related conditions. ClinVar contains an entry for this variant (Variation ID: 974706). Algorithms developed to predict the effect of missense changes on protein structure and function are either unavailable or do not agree on the potential impact of this missense change (SIFT: "Not Available"; PolyPhen-2: "Benign"; Align-GVGD: "Not Available"). In summary, the available evidence is currently insufficient to determine the role of this variant in disease. Therefore, it has been classified as a Variant of Uncertain Significance.

Department of Molecular Biology and Genetics, Acibadem University
Classification: Uncertain significance for Fraser syndrome 3. Review status: no assertion criteria provided. Collection method: research. Allele origin: unknown. Inheritance: Autosomal recessive inheritance. Affected: yes. Not counted in ClinVar's aggregate classification.